The following is an entry in ClinVar:

ClinVar aggregate classification (germline): Uncertain significance. Review status: criteria provided, multiple submitters, no conflicts (2 of 4 stars). 3 submissions from 3 submitters: Uncertain significance (3). Last evaluated 2025-07-30.

Conditions:
Familial ovarian cancer. Identifiers: MedGen C5679802, MONDO:0016248.

Allele frequency attached by ClinVar (database versions not stated): gnomAD 0.00006 and 0.00005; TOPMed 0.00006; ESP Exome Variant Server 0.00008; gnomAD exomes 0.00009; ExAC 0.00014.
gnomAD v4.1: 83 of 1,613,912 alleles (0.0051%); highest among the groups gnomAD compares: South Asian, 0.0077%; no homozygotes.

Submissions (3):

Labcorp Genetics (formerly Invitae), Labcorp
Classification: Uncertain significance. Last evaluated: 2025-07-30. Review status: criteria provided, single submitter. Criteria: Invitae Variant Classification Sherloc (09022015). Collection method: clinical testing. Allele origin: germline.
Comment: This sequence change replaces valine, which is neutral and non-polar, with isoleucine, which is neutral and non-polar, at codon 614 of the RINT1 protein (p.Val614Ile). This variant is present in population databases (rs201581045, gnomAD 0.02%). This variant has not been reported in the literature in individuals affected with RINT1-related conditions. ClinVar contains an entry for this variant (Variation ID: 639306). An algorithm developed to predict the effect of missense changes on protein structure and function (PolyPhen-2) suggests that this variant is likely to be tolerated. In summary, the available evidence is currently insufficient to determine the role of this variant in disease. Therefore, it has been classified as a Variant of Uncertain Significance.

Ambry Genetics
Classification: Uncertain significance. Last evaluated: 2024-10-09. Review status: criteria provided, single submitter. Criteria: Ambry Variant Classification Scheme 2023. Collection method: clinical testing. Allele origin: germline.

Department of Pathology and Laboratory Medicine, Sinai Health System
Classification: Uncertain significance for familial ovarian cancer. Last evaluated: 2021-07-30. Review status: criteria provided, single submitter. Criteria: ACMG Guidelines, 2015. Collection method: research. Allele origin: germline.

NM_021930.6(RINT1):c.1840G>A (p.Val614Ile)

Gene: RINT1 (RAD50 interactor 1; plus strand). Cytogenetic location: 7q22.3.
Variant type: single nucleotide variant.
Coding change: c.1840G>A on transcript NM_021930.6 (MANE Select); coding-DNA position 1840, G replaced by A.
Protein change: p.Val614Ile; replaces valine 614 with isoleucine.
Molecular consequence: missense variant. On other transcripts: non-coding transcript variant (1).
Genome position (GRCh38, 1-based): chr7:105,563,901, G>A. VCF-style: chr7-105563901-G-A. GRCh37 (hg19) VCF-style: chr7-105204348-G-A.
Other names: c.1606G>A, p.Val536Ile (NM_001346599.2); c.817G>A, p.Val273Ile (NM_001346600.2, NM_001346603.2); c.916G>A, p.Val306Ile (NM_001346601.2); short protein forms V306I, V536I, V273I, V614I.
Identifiers: ClinVar variation 639306 (VCV000639306.11), dbSNP rs201581045, ClinGen allele CA4426781.